The following is an entry in ClinVar:

NM_001048174.2(MUTYH):c.288C>T (p.Asp96=)

Gene: MUTYH (mutY DNA glycosylase; minus strand). Cytogenetic location: 1p34.1.
Variant type: single nucleotide variant.
Coding change: c.288C>T on transcript NM_001048174.2 (MANE Select); coding-DNA position 288, C replaced by T.
Protein change: p.Asp96=; no amino-acid change (aspartic acid 96 retained).
Molecular consequence: synonymous variant. On other transcripts: missense variant (2), non-coding transcript variant (2).
Genome position (GRCh38, 1-based): chr1:45,333,301, G>A on the plus strand (C>T on the coding strand, the complement: MUTYH is on the minus strand). VCF-style: chr1-45333301-G-A. GRCh37 (hg19) VCF-style: chr1-45798973-G-A.
Other names: p.D124D:GAC>GAT; c.288C>T, p.Asp96= (NM_001048171.2, NM_001048173.2, NM_001293195.2); c.291C>T, p.Asp97= (NM_001048172.2); c.372C>T, p.Asp124= (NM_001128425.2); c.333C>T, p.Asp111= (NM_001293190.2); c.321C>T, p.Asp107= (NM_001293191.2); c.12C>T, p.Asp4= (NM_001293192.2, NM_001293196.2); c.17C>T, p.Thr6Ile (NM_001350650.2, NM_001350651.2); and 1 more; short protein forms T6I.
Identifiers: ClinVar variation 182697 (VCV000182697.56), dbSNP rs730881836, ClinGen allele CA013450.

ClinVar aggregate classification (germline): Benign/Likely benign. Review status: criteria provided, multiple submitters, no conflicts (2 of 4 stars). 11 submissions from 11 submitters: Benign (1); Likely benign (9). 1 of the submissions does not count toward it. Last evaluated 2026-02-03.

Conditions:
Hereditary cancer-predisposing syndrome. Also called: Tumor predisposition; Neoplastic Syndromes, Hereditary; Hereditary Cancer Syndrome; Hereditary neoplastic syndrome. Identifiers: Orphanet 140162, MedGen C0027672, MeSH D009386, MONDO:0015356.
Familial adenomatous polyposis 2. Also called: MUTYH Polyposis; ADENOMAS, MULTIPLE COLORECTAL, AUTOSOMAL RECESSIVE; Adenomas, multiple colorectal; MYH-associated polyposis; FAP type 2; MUTYH-related attenuated familial adenomatous polyposis. Identifiers: Orphanet 220460, Orphanet 247798, MedGen C3272841, MONDO:0012041, OMIM 608456.

Allele frequency attached by ClinVar (database versions not stated): ExAC 0.00006; gnomAD exomes 0.00006 and 0.00003; gnomAD 0.00001; TOPMed 0.00002.
gnomAD v4.1: 43 of 1,614,108 alleles (0.0027%); highest among the groups gnomAD compares: Non-Finnish European, 0.000085%; no homozygotes.

Submissions (11):

Labcorp Genetics (formerly Invitae), Labcorp
Classification: Likely benign for Familial adenomatous polyposis 2. Last evaluated: 2026-02-03. Review status: criteria provided, single submitter. Criteria: Invitae Variant Classification Sherloc (09022015). Collection method: clinical testing. Allele origin: germline.

CeGaT Center for Human Genetics Tuebingen
Classification: Likely benign. Last evaluated: 2025-08-01. Review status: criteria provided, single submitter. Criteria: CeGaT Center For Human Genetics Tuebingen Variant Classification Criteria Version 2. Collection method: clinical testing. Allele origin: germline. Affected: yes. Observed: 4 variant alleles.
Comment: MUTYH: BP4, BP7

All of Us Research Program, National Institutes of Health
Classification: Likely benign for Familial adenomatous polyposis 2. Last evaluated: 2023-12-18. Review status: criteria provided, single submitter. Criteria: ACMG Guidelines, 2015. Collection method: clinical testing. Allele origin: germline. Inheritance: Autosomal recessive inheritance. Observed: 14 variant alleles, 14 heterozygotes.
Comment: This study involves interpretation of variants in research participants for the purpose of population health screening. Participant phenotype was not available at the time of variant classification. Additional details can be found in publication PMID: 35346344, PMCID: PMC8962531

Institute for Biomarker Research, Medical Diagnostic Laboratories, L.L.C.
Classification: Likely benign for Hereditary cancer-predisposing syndrome. Last evaluated: 2023-04-11. Review status: criteria provided, single submitter. Criteria: ACMG Guidelines, 2015. Collection method: clinical testing. Allele origin: germline.

Department of Pathology and Laboratory Medicine, Sinai Health System
Classification: Likely benign for Familial adenomatous polyposis 2. Last evaluated: 2022-09-16. Review status: criteria provided, single submitter. Criteria: ACMG Guidelines, 2015. Collection method: clinical testing. Allele origin: germline. Affected: yes.

Women's Health and Genetics/Laboratory Corporation of America, LabCorp
Classification: Likely benign. Last evaluated: 2022-08-04. Review status: criteria provided, single submitter. Criteria: LabCorp Variant Classification Summary - May 2015. Collection method: clinical testing. Allele origin: germline.

Sema4
Classification: Likely benign for Hereditary cancer-predisposing syndrome. Last evaluated: 2021-08-04. Review status: criteria provided, single submitter. Criteria: Sema4 Curation Guidelines. Collection method: curation. Allele origin: germline.

Color Diagnostics, LLC DBA Color Health
Classification: Likely benign for Hereditary cancer-predisposing syndrome. Last evaluated: 2016-07-20. Review status: criteria provided, single submitter. Criteria: ACMG Guidelines, 2015. Collection method: clinical testing. Allele origin: germline.

GeneDx
Classification: Benign. Last evaluated: 2014-09-29. Review status: criteria provided, single submitter. Criteria: GeneDx Variant Classification (06012015). Collection method: clinical testing. Allele origin: germline. Affected: yes.
Comment: This variant is considered likely benign or benign based on one or more of the following criteria: it is a conservative change, it occurs at a poorly conserved position in the protein, it is predicted to be benign by multiple in silico algorithms, and/or has population frequency not consistent with disease.

Ambry Genetics
Classification: Likely benign for Hereditary cancer-predisposing syndrome. Last evaluated: 2014-09-12. Review status: criteria provided, single submitter. Criteria: Ambry Variant Classification Scheme 2023. Collection method: clinical testing. Allele origin: germline.

Counsyl
Classification: Likely benign for Familial adenomatous polyposis 2. Last evaluated: 2015-12-13. Review status: no assertion criteria provided. Collection method: clinical testing. Allele origin: unknown. Not counted in ClinVar's aggregate classification.